The following is an entry in ClinVar:

ClinVar aggregate classification (germline): Uncertain significance. Review status: criteria provided, multiple submitters, no conflicts (2 of 4 stars). 2 submissions from 2 submitters: Uncertain significance (2). Last evaluated 2025-12-29.

Submissions (2):

Center for Genomic Medicine, Rigshospitalet, Copenhagen University Hospital
Classification: Uncertain significance. Last evaluated: 2025-12-29. Review status: criteria provided, single submitter. Criteria: ACMG Guidelines, 2015. Collection method: clinical testing. Allele origin: germline.

Ambry Genetics
Classification: Uncertain significance. Last evaluated: 2024-03-09. Review status: criteria provided, single submitter. Criteria: Ambry Variant Classification Scheme 2023. Collection method: clinical testing. Allele origin: germline.
Comment: The p.A16V variant (also known as c.47C>T), located in coding exon 2 of the RPS20 gene, results from a C to T substitution at nucleotide position 47. The alanine at codon 16 is replaced by valine, an amino acid with similar properties. This amino acid position is conserved. In addition, the in silico prediction for this alteration is inconclusive. Since supporting evidence is limited at this time, the clinical significance of this alteration remains unclear.

NM_001023.4(RPS20):c.47C>T (p.Ala16Val)

Gene: RPS20 (ribosomal protein S20; minus strand). Cytogenetic location: 8q12.1.
Variant type: single nucleotide variant.
Coding change: c.47C>T on transcript NM_001023.4 (MANE Select); coding-DNA position 47, C replaced by T.
Protein change: p.Ala16Val; replaces alanine 16 with valine.
Molecular consequence: missense variant.
Genome position (GRCh38, 1-based): chr8:56,074,116, G>A on the plus strand (C>T on the coding strand, the complement: RPS20 is on the minus strand). VCF-style: chr8-56074116-G-A. GRCh37 (hg19) VCF-style: chr8-56986675-G-A.
Other names: c.47C>T, p.Ala16Val (NM_001146227.3); short protein forms A16V.
Identifiers: ClinVar variation 1743179 (VCV001743179.3), dbSNP rs1809857036, ClinGen allele CA371283933.